The following is an entry in ClinVar:

ClinVar aggregate classification (germline): Uncertain significance (1 of 4 stars; one submission).

Conditions:
Familial thoracic aortic aneurysm and aortic dissection (TAAD). Also called: Thoracic aortic aneurysms and dissections. Identifiers: Orphanet 91387, MedGen C4707243, MONDO:0019625.

Submission:

Ambry Genetics
Classification: Uncertain significance for Familial thoracic aortic aneurysm and aortic dissection. Last evaluated: 2025-11-16. Review status: criteria provided, single submitter. Criteria: Ambry Variant Classification Scheme 2023. Collection method: clinical testing. Allele origin: germline.
Comment: The p.R441G variant (also known as c.1321A>G), located in coding exon 12 of the PRKG1 gene, results from an A to G substitution at nucleotide position 1321. The arginine at codon 441 is replaced by glycine, an amino acid with dissimilar properties. This amino acid position is conserved. In addition, the in silico prediction for this alteration is inconclusive. Based on the available evidence, the clinical significance of this variant remains unclear.

NM_006258.4(PRKG1):c.1321A>G (p.Arg441Gly)

Gene: PRKG1 (protein kinase cGMP-dependent 1; plus strand). Cytogenetic location: 10q21.1.
Variant type: single nucleotide variant.
Coding change: c.1321A>G on transcript NM_006258.4 (MANE Select); coding-DNA position 1321, A replaced by G.
Protein change: p.Arg441Gly; replaces arginine 441 with glycine.
Molecular consequence: missense variant.
Genome position (GRCh38, 1-based): chr10:52,272,399, A>G. VCF-style: chr10-52272399-A-G. GRCh37 (hg19) VCF-style: chr10-54032159-A-G.
Other names: c.1276A>G, p.Arg426Gly (NM_001098512.3); c.112A>G, p.Arg38Gly (NM_001374781.1); short protein forms R426G, R441G, R38G.
Identifiers: ClinVar variation 4635529 (VCV004635529.1).